The following is an entry in ClinVar:

NM_002637.4(PHKA1):c.2370-14C>T

Gene: PHKA1 (phosphorylase kinase regulatory subunit alpha 1; minus strand). Cytogenetic location: Xq13.1.
Variant type: single nucleotide variant.
Coding change: c.2370-14C>T on transcript NM_002637.4 (MANE Select); 14 bases into the intron before coding-DNA position 2370, C replaced by T.
Molecular consequence: intron variant.
Genome position (GRCh38, 1-based): chrX:72,611,198, G>A on the plus strand (C>T on the coding strand, the complement: PHKA1 is on the minus strand). VCF-style: chrX-72611198-G-A. GRCh37 (hg19) VCF-style: chrX-71831048-G-A.
Other names: c.2193-14C>T (NM_001172436.2); c.2370-14C>T (NM_001122670.2).
Identifiers: ClinVar variation 915263 (VCV000915263.11), dbSNP rs782784720, ClinGen allele CA10450704.
Genomic context (GRCh38, chrX:72,611,198, plus strand): 5'-CTGTAGCACTCCGTTCATTATACAATTCAGTGTTCCAGTCAGGTCCTCTAGAATTTTAAC[G>A]ACAGGACTACATCAGTTTTAAGTAAAGCTTCTGGCAATCATCTTTTCTTTCAGTGTTATA-3'

ClinVar aggregate classification (germline): Benign. Review status: criteria provided, multiple submitters, no conflicts (2 of 4 stars). 2 submissions from 2 submitters: Benign (2). Last evaluated 2025-08-26.

Conditions:
Glycogen storage disease IXd (GSD9D). Also called: GSD IXd; Muscle Phosphorylase Kinase Deficiency. Identifiers: Orphanet 715, MedGen C1845151, MONDO:0010362, OMIM 300559.

Allele frequency attached by ClinVar (database versions not stated): gnomAD 0.00001 and 0.00006; TOPMed 0.00002; gnomAD exomes 0.00012 and 0.00021; 1000 Genomes Project 30x 0.00021; 1000 Genomes Project 0.00026; ExAC 0.00028.
gnomAD v4.1: 136 of 1,172,377 alleles (0.012%); highest among the groups gnomAD compares: South Asian, 0.16%; no homozygotes.

Submissions (2):

Labcorp Genetics (formerly Invitae), Labcorp
Classification: Benign for Glycogen storage disease IXd. Last evaluated: 2025-08-26. Review status: criteria provided, single submitter. Criteria: Invitae Variant Classification Sherloc (09022015). Collection method: clinical testing. Allele origin: germline.

Illumina Laboratory Services, Illumina
Classification: Benign for Glycogen storage disease IXd. Last evaluated: 2018-01-13. Review status: criteria provided, single submitter. Criteria: ICSL Variant Classification Criteria 13 December 2019. Collection method: clinical testing. Allele origin: germline.
Comment: This variant was observed in the ICSL laboratory as part of a predisposition screen in an ostensibly healthy population. It had not been previously curated by ICSL or reported in the Human Gene Mutation Database (HGMD: prior to June 1st, 2018), and was therefore a candidate for classification through an automated scoring system. Utilizing variant allele frequency, disease prevalence and penetrance estimates, and inheritance mode, an automated score was calculated to assess if this variant is too frequent to cause the disease. Based on the score and internal cut-off values, a variant classified as benign is not then subjected to further curation. The score for this variant resulted in a classification of benign for this disease.